The following is an entry in ClinVar:

ClinVar aggregate classification (germline): Uncertain significance (1 of 4 stars; one submission).

Conditions:
Ataxia-telangiectasia syndrome (AT). Also called: Cerebello-oculocutaneous telangiectasia; Immunodeficiency with ataxia telangiectasia; AT, COMPLEMENTATION GROUP C; Ataxia-telangiectasia, complementation group E; LOUIS-BAR SYNDROME; ATAXIA-TELANGIECTASIA, COMPLEMENTATION GROUP A. Identifiers: Orphanet 100, MedGen C0004135, MONDO:0008840, OMIM 208900.

Submission:

Labcorp Genetics (formerly Invitae), Labcorp
Classification: Uncertain significance for Ataxia-telangiectasia syndrome. Last evaluated: 2021-04-14. Review status: criteria provided, single submitter. Criteria: Invitae Variant Classification Sherloc (09022015). Collection method: clinical testing. Allele origin: germline.
Comment: In summary, the available evidence is currently insufficient to determine the role of this variant in disease. Therefore, it has been classified as a Variant of Uncertain Significance. This sequence change replaces leucine with arginine at codon 715 of the ATM protein (p.Leu715Arg). The leucine residue is moderately conserved and there is a moderate physicochemical difference between leucine and arginine. This variant is not present in population databases (ExAC no frequency). This variant has not been reported in the literature in individuals with ATM-related conditions. Advanced modeling of protein sequence and biophysical properties (such as structural, functional, and spatial information, amino acid conservation, physicochemical variation, residue mobility, and thermodynamic stability) performed at Invitae indicates that this missense variant is not expected to disrupt ATM protein function.

NM_000051.4(ATM):c.2144T>G (p.Leu715Arg)

Gene: ATM (ATM serine/threonine kinase; plus strand). Cytogenetic location: 11q22.3.
Variant type: single nucleotide variant.
Coding change: c.2144T>G on transcript NM_000051.4 (MANE Select); coding-DNA position 2144, T replaced by G.
Protein change: p.Leu715Arg; replaces leucine 715 with arginine.
Molecular consequence: missense variant.
Genome position (GRCh38, 1-based): chr11:108,256,234, T>G. VCF-style: chr11-108256234-T-G. GRCh37 (hg19) VCF-style: chr11-108126961-T-G.
Other names: c.2144T>G, p.Leu715Arg (NM_001351834.2); short protein forms L715R.
Identifiers: ClinVar variation 1374185 (VCV001374185.8), dbSNP rs1555074855, ClinGen allele CA382538711.